The following is an entry in ClinVar:

NM_001378120.1(MBD5):c.4704T>A (p.His1568Gln)

Gene: MBD5 (methyl-CpG binding domain protein 5; plus strand). Cytogenetic location: 2q23.1.
Variant type: single nucleotide variant.
Coding change: c.4704T>A on transcript NM_001378120.1 (MANE Select); coding-DNA position 4704, T replaced by A.
Protein change: p.His1568Gln; replaces histidine 1568 with glutamine.
Molecular consequence: missense variant.
Genome position (GRCh38, 1-based): chr2:148,490,336, T>A. VCF-style: chr2-148490336-T-A. GRCh37 (hg19) VCF-style: chr2-149247905-T-A.
Other names: c.4005T>A, p.His1335Gln (NM_018328.5); short protein forms H1568Q, H1335Q.
Identifiers: ClinVar variation 2847889 (VCV002847889.3), dbSNP rs766309038, ClinGen allele CA348730456.

ClinVar aggregate classification (germline): Uncertain significance (1 of 4 stars; one submission).

Conditions:
Intellectual developmental disorder, autosomal dominant 1. Also called: MBD5 Haploinsufficiency; Intellectual disability, autosomal dominant 1. Identifiers: Orphanet 228402, MedGen C1969562, MONDO:0007974, OMIM 156200.

Submission:

Labcorp Genetics (formerly Invitae), Labcorp
Classification: Uncertain significance for Intellectual developmental disorder, autosomal dominant 1. Last evaluated: 2023-03-20. Review status: criteria provided, single submitter. Criteria: Invitae Variant Classification Sherloc (09022015). Collection method: clinical testing. Allele origin: germline.
Comment: This variant has not been reported in the literature in individuals affected with MBD5-related conditions. This sequence change replaces histidine, which is basic and polar, with glutamine, which is neutral and polar, at codon 1335 of the MBD5 protein (p.His1335Gln). This variant is not present in population databases (gnomAD no frequency). Experimental studies and prediction algorithms are not available or were not evaluated, and the functional significance of this variant is currently unknown. In summary, the available evidence is currently insufficient to determine the role of this variant in disease. Therefore, it has been classified as a Variant of Uncertain Significance.